The following is an entry in ClinVar:

NM_080680.3(COL11A2):c.4221G>C (p.Lys1407Asn)

Gene: COL11A2 (collagen type XI alpha 2 chain; minus strand). Cytogenetic location: 6p21.32.
Variant type: single nucleotide variant.
Coding change: c.4221G>C on transcript NM_080680.3 (MANE Select); coding-DNA position 4221, G replaced by C.
Protein change: p.Lys1407Asn; replaces lysine 1407 with asparagine.
Molecular consequence: missense variant.
Genome position (GRCh38, 1-based): chr6:33,167,079, C>G on the plus strand (G>C on the coding strand, the complement: COL11A2 is on the minus strand). VCF-style: chr6-33167079-C-G. GRCh37 (hg19) VCF-style: chr6-33134856-C-G.
Other names: c.4041G>C, p.Lys1347Asn (NM_001424108.1); c.3375G>C, p.Lys1125Asn (NM_001424109.1); c.3195G>C, p.Lys1065Asn (NM_001424110.1, NM_001424111.1); c.2175G>C, p.Lys725Asn (NM_001424112.1); c.3900G>C, p.Lys1300Asn (NM_080679.3); c.3963G>C, p.Lys1321Asn (NM_080681.3); short protein forms K1065N, K1321N, K1300N, K1347N, K1407N, K1125N, K725N.
Identifiers: ClinVar variation 2698994 (VCV002698994.3), dbSNP rs2534551624, ClinGen allele CA363621810.

ClinVar aggregate classification (germline): Uncertain significance (1 of 4 stars; one submission).

Submission:

Labcorp Genetics (formerly Invitae), Labcorp
Classification: Uncertain significance. Last evaluated: 2024-01-04. Review status: criteria provided, single submitter. Criteria: Invitae Variant Classification Sherloc (09022015). Collection method: clinical testing. Allele origin: germline.
Comment: This sequence change replaces lysine, which is basic and polar, with asparagine, which is neutral and polar, at codon 1407 of the COL11A2 protein (p.Lys1407Asn). This variant is not present in population databases (gnomAD no frequency). This variant has not been reported in the literature in individuals affected with COL11A2-related conditions. Advanced modeling of protein sequence and biophysical properties (such as structural, functional, and spatial information, amino acid conservation, physicochemical variation, residue mobility, and thermodynamic stability) has been performed at Invitae for this missense variant, however the output from this modeling did not meet the statistical confidence thresholds required to predict the impact of this variant on COL11A2 protein function. In summary, the available evidence is currently insufficient to determine the role of this variant in disease. Therefore, it has been classified as a Variant of Uncertain Significance.